The following is an entry in ClinVar:

ClinVar aggregate classification (germline): Conflicting classifications of pathogenicity. Review status: criteria provided, conflicting classifications (1 of 4 stars). 2 submissions from 2 submitters: Likely pathogenic (1); Uncertain significance (1). Last evaluated 2024-05-01.

Allele frequency attached by ClinVar (database versions not stated): gnomAD exomes below 0.00001; gnomAD 0.00001.
gnomAD v4.1: 8 of 1,612,594 alleles (0.0005%); highest among the groups gnomAD compares: South Asian, 0.0022%; no homozygotes.

Submissions (2):

CeGaT Center for Human Genetics Tuebingen
Classification: Likely pathogenic. Last evaluated: 2024-05-01. Review status: criteria provided, single submitter. Criteria: CeGaT Center For Human Genetics Tuebingen Variant Classification Criteria Version 2. Collection method: clinical testing. Allele origin: germline. Affected: yes. Observed: 1 variant allele.
Comment: NDUFS8: PM2, PM3, PP4:Moderate, PP3

Blueprint Genetics
Classification: Uncertain significance. Last evaluated: 2020-10-07. Review status: criteria provided, single submitter. Criteria: ACMG Guidelines, 2015. Collection method: clinical testing. Allele origin: germline.

NM_002496.4(NDUFS8):c.376A>G (p.Ile126Val)

Gene: NDUFS8 (NADH:ubiquinone oxidoreductase core subunit S8; plus strand). Cytogenetic location: 11q13.2.
Variant type: single nucleotide variant.
Coding change: c.376A>G on transcript NM_002496.4 (MANE Select); coding-DNA position 376, A replaced by G.
Protein change: p.Ile126Val; replaces isoleucine 126 with valine.
Molecular consequence: missense variant.
Genome position (GRCh38, 1-based): chr11:68,036,256, A>G. VCF-style: chr11-68036256-A-G. GRCh37 (hg19) VCF-style: chr11-67803723-A-G.
Other names: short protein forms I126V.
Identifiers: ClinVar variation 3239117 (VCV003239117.20), dbSNP rs1267270290.